The following is an entry in ClinVar:

ClinVar aggregate classification (germline): Pathogenic (1 of 4 stars; one submission).

Conditions:
Leber congenital amaurosis 7 (LCA7). Identifiers: Orphanet 65, MedGen C3151192, MONDO:0013449, OMIM 613829.
Cone-rod dystrophy 2 (CORD2). Also called: CONE-ROD RETINAL DYSTROPHY; Cone-rod retinal dystrophy 2. Identifiers: Orphanet 1872, MedGen C3489532, MONDO:0007362, OMIM 120970.

Submission:

Labcorp Genetics (formerly Invitae), Labcorp
Classification: Pathogenic for Cone-rod dystrophy 2; Leber congenital amaurosis 7. Last evaluated: 2024-04-17. Review status: criteria provided, single submitter. Criteria: Invitae Variant Classification Sherloc (09022015). Collection method: clinical testing. Allele origin: germline.
Comment: This sequence change creates a premature translational stop signal (p.Ser128Profs*59) in the CRX gene. While this is not anticipated to result in nonsense mediated decay, it is expected to disrupt the last 172 amino acid(s) of the CRX protein. This variant is not present in population databases (gnomAD no frequency). This premature translational stop signal has been observed in individual(s) with cone dystrophy (Invitae). ClinVar contains an entry for this variant (Variation ID: 1385024). This variant disrupts a region of the CRX protein in which other variant(s) (p.Tyr258*) have been determined to be pathogenic (PMID: 22968130, 25270190). This suggests that this is a clinically significant region of the protein, and that variants that disrupt it are likely to be disease-causing. For these reasons, this variant has been classified as Pathogenic.

Literature cited by the submitters: PubMed 22968130; PubMed 25270190.

NM_000554.6(CRX):c.381del (p.Ser128fs)

Gene: CRX (cone-rod homeobox; plus strand). Cytogenetic location: 19q13.33.
Variant type: Deletion.
Coding change: c.381del on transcript NM_000554.6 (MANE Select); coding-DNA position 381, one base deleted (C; older notation c.381delC).
Protein change: p.Ser128fs; shifts the reading frame from serine 128.
Molecular consequence: frameshift variant.
Genome position (GRCh38, 1-based): chr19:47,839,448, C deleted; the last of 3 consecutive C bases (chr19:47,839,446-47,839,448); deleting any one gives the same sequence. VCF-style (leftmost placement, unchanged base first): chr19-47839445-AC-A. GRCh37 (hg19) VCF-style: chr19-48342702-AC-A.
Other names: short protein forms S128fs.
Identifiers: ClinVar variation 1385024 (VCV001385024.6), dbSNP rs1599991268, ClinGen allele CA2573156489.